The following is an entry in ClinVar:

NM_032119.4(ADGRV1):c.6523G>T (p.Val2175Phe)

Gene: ADGRV1 (adhesion G protein-coupled receptor V1; plus strand). Cytogenetic location: 5q14.3.
Variant type: single nucleotide variant.
Coding change: c.6523G>T on transcript NM_032119.4 (MANE Select); coding-DNA position 6523, G replaced by T.
Protein change: p.Val2175Phe; replaces valine 2175 with phenylalanine.
Molecular consequence: missense variant. On other transcripts: non-coding transcript variant (1).
Genome position (GRCh38, 1-based): chr5:90,689,893, G>T. VCF-style: chr5-90689893-G-T. GRCh37 (hg19) VCF-style: chr5-89985710-G-T.
Other names: short protein forms V2175F.
Identifiers: ClinVar variation 1396338 (VCV001396338.6), dbSNP rs1746241769, ClinGen allele CA360365867.

ClinVar aggregate classification (germline): Uncertain significance. Review status: criteria provided, multiple submitters, no conflicts (2 of 4 stars). 2 submissions from 2 submitters: Uncertain significance (2). Last evaluated 2024-11-05.

Allele frequency attached by ClinVar (database versions not stated): gnomAD exomes below 0.00001; gnomAD 0.00001.
gnomAD v4.1: 6 of 1,612,940 alleles (0.00037%); highest among the groups gnomAD compares: Admixed American, 0.0083%; no homozygotes.

Submissions (2):

Labcorp Genetics (formerly Invitae), Labcorp
Classification: Uncertain significance. Last evaluated: 2024-11-05. Review status: criteria provided, single submitter. Criteria: Invitae Variant Classification Sherloc (09022015). Collection method: clinical testing. Allele origin: germline.
Comment: This sequence change replaces valine, which is neutral and non-polar, with phenylalanine, which is neutral and non-polar, at codon 2175 of the ADGRV1 protein (p.Val2175Phe). This variant is not present in population databases (gnomAD no frequency). This variant has not been reported in the literature in individuals affected with ADGRV1-related conditions. ClinVar contains an entry for this variant (Variation ID: 1396338). Invitae Evidence Modeling of protein sequence and biophysical properties (such as structural, functional, and spatial information, amino acid conservation, physicochemical variation, residue mobility, and thermodynamic stability) indicates that this missense variant is not expected to disrupt ADGRV1 protein function with a negative predictive value of 95%. In summary, the available evidence is currently insufficient to determine the role of this variant in disease. Therefore, it has been classified as a Variant of Uncertain Significance.

Mendelics
Classification: Uncertain significance. Last evaluated: 2022-05-04. Review status: criteria provided, single submitter. Criteria: Mendelics Assertion Criteria 2019. Collection method: clinical testing. Allele origin: germline.